The following is an entry in ClinVar:

ClinVar aggregate classification (germline): Uncertain significance. Review status: criteria provided, multiple submitters, no conflicts (2 of 4 stars). 4 submissions from 3 submitters: Uncertain significance (4). Last evaluated 2022-10-13.

Conditions:
Cone-rod dystrophy 13 (CORD13). Identifiers: Orphanet 1872, MedGen C2750720, MONDO:0011987, OMIM 608194.
Leber congenital amaurosis 6 (LCA6). Identifiers: Orphanet 65, MedGen C1854260, MONDO:0013446, OMIM 613826.

Allele frequency attached by ClinVar (database versions not stated): gnomAD 0.00014 and 0.00016; ESP Exome Variant Server 0.00033; TOPMed 0.00015.
gnomAD v4.1: 37 of 1,611,562 alleles (0.0023%); highest among the groups gnomAD compares: African/African-American, 0.036%; no homozygotes.

Submissions (4):

Labcorp Genetics (formerly Invitae), Labcorp
Classification: Uncertain significance for Leber congenital amaurosis 6; Cone-rod dystrophy 13. Last evaluated: 2022-10-13. Review status: criteria provided, single submitter. Criteria: Invitae Variant Classification Sherloc (09022015). Collection method: clinical testing. Allele origin: germline.
Comment: This sequence change replaces arginine, which is basic and polar, with histidine, which is basic and polar, at codon 54 of the RPGRIP1 protein (p.Arg54His). This variant is present in population databases (rs376250340, gnomAD 0.06%). This variant has not been reported in the literature in individuals affected with RPGRIP1-related conditions. ClinVar contains an entry for this variant (Variation ID: 167604). Advanced modeling of protein sequence and biophysical properties (such as structural, functional, and spatial information, amino acid conservation, physicochemical variation, residue mobility, and thermodynamic stability) performed at Invitae indicates that this missense variant is not expected to disrupt RPGRIP1 protein function. In summary, the available evidence is currently insufficient to determine the role of this variant in disease. Therefore, it has been classified as a Variant of Uncertain Significance.

Genome-Nilou Lab
Classification: Uncertain significance for Leber congenital amaurosis 6. Last evaluated: 2021-11-07. Review status: criteria provided, single submitter. Criteria: ACMG Guidelines, 2015. Collection method: clinical testing. Allele origin: germline. Affected: no.

Genome-Nilou Lab
Classification: Uncertain significance for Cone-rod dystrophy 13. Last evaluated: 2021-11-07. Review status: criteria provided, single submitter. Criteria: ACMG Guidelines, 2015. Collection method: clinical testing. Allele origin: germline. Affected: no.

Eurofins Ntd Llc (ga)
Classification: Uncertain significance. Last evaluated: 2014-04-27. Review status: criteria provided, single submitter. Criteria: EGL Classification Definitions 2015. Collection method: clinical testing. Allele origin: germline. Observed: 1 variant allele, 1 heterozygote.

NM_020366.4(RPGRIP1):c.161G>A (p.Arg54His)

Gene: RPGRIP1 (RPGR interacting protein 1; plus strand). Cytogenetic location: 14q11.2.
Variant type: single nucleotide variant.
Coding change: c.161G>A on transcript NM_020366.4 (MANE Select); coding-DNA position 161, G replaced by A.
Protein change: p.Arg54His; replaces arginine 54 with histidine.
Molecular consequence: missense variant.
Genome position (GRCh38, 1-based): chr14:21,294,752, G>A. VCF-style: chr14-21294752-G-A. GRCh37 (hg19) VCF-style: chr14-21762911-G-A.
Other names: short protein forms R54H.
Identifiers: ClinVar variation 167604 (VCV000167604.13), dbSNP rs376250340, ClinGen allele CA234803.